The following is an entry in ClinVar:

ClinVar aggregate classification (germline): Likely benign. Review status: criteria provided, multiple submitters, no conflicts (2 of 4 stars). 4 submissions from 4 submitters: Likely benign (4). Last evaluated 2026-01-19.

Allele frequency attached by ClinVar (database versions not stated): gnomAD 0.00004 and 0.00007; TOPMed 0.00004; gnomAD exomes 0.00005 and 0.00008; ExAC 0.00006; 1000 Genomes Project 0.00040; 1000 Genomes Project 30x 0.00047.
gnomAD v4.1: 85 of 1,613,906 alleles (0.0053%); highest among the groups gnomAD compares: South Asian, 0.037%; no homozygotes.

Submissions (4):

Labcorp Genetics (formerly Invitae), Labcorp
Classification: Likely benign. Last evaluated: 2026-01-19. Review status: criteria provided, single submitter. Criteria: Invitae Variant Classification Sherloc (09022015). Collection method: clinical testing. Allele origin: germline.

Blueprint Genetics
Classification: Likely benign. Last evaluated: 2024-10-10. Review status: criteria provided, single submitter. Criteria: ACMG Guidelines, 2015. Collection method: clinical testing. Allele origin: germline.

GeneDx
Classification: Likely benign. Last evaluated: 2021-05-25. Review status: criteria provided, single submitter. Criteria: GeneDx Variant Classification Process June 2021. Collection method: clinical testing. Allele origin: germline. Affected: yes.

Laboratory for Molecular Medicine, Mass General Brigham Personalized Medicine
Classification: Likely benign. Last evaluated: 2015-10-20. Review status: criteria provided, single submitter. Criteria: LMM Criteria. Collection method: clinical testing. Allele origin: germline. Observed: 1 variant allele.
Comment: c.4210-13C>T in intron 34 of CDH23: This variant is not expected to have clinica l significance because a C>T change at this position does not diverge from the s plice consensus sequence and is therefore unlikely to impact splicing. It has be en identified in 4/8622 of East Asian chromosomes by the Exome Aggregation Conso rtium (ExAC; dbSNP rs377079875).

NM_022124.6(CDH23):c.4210-13C>T

Gene: CDH23 (cadherin related 23; plus strand). Cytogenetic location: 10q22.1.
Variant type: single nucleotide variant.
Coding change: c.4210-13C>T on transcript NM_022124.6 (MANE Select); 13 bases into the intron before coding-DNA position 4210, C replaced by T.
Molecular consequence: intron variant.
Genome position (GRCh38, 1-based): chr10:71,738,485, C>T. VCF-style: chr10-71738485-C-T. GRCh37 (hg19) VCF-style: chr10-73498242-C-T.
Identifiers: ClinVar variation 227224 (VCV000227224.15), dbSNP rs377079875, ClinGen allele CA5544985.